The following is an entry in ClinVar:

ClinVar aggregate classification (germline): Benign (0 of 4 stars; one submission).

Conditions:
MYCBP2-related disorder. Also called: MYCBP2-related condition.

Allele frequency attached by ClinVar (database versions not stated): ESP Exome Variant Server 0.00015; gnomAD exomes 0.00068; gnomAD 0.00084; TOPMed 0.00087; ExAC 0.00141; 1000 Genomes Project 30x 0.00328; 1000 Genomes Project 0.00379.
gnomAD v4.1: 1,146 of 1,613,960 alleles (0.071%); highest among the groups gnomAD compares: East Asian, 2.3%; 10 homozygotes.

Submissions (3):

PreventionGenetics, part of Exact Sciences
Classification: Benign for MYCBP2-related condition. Last evaluated: 2019-08-16. Review status: no assertion criteria provided. Collection method: clinical testing. Allele origin: germline.
Comment: This variant is classified as benign based on ACMG/AMP sequence variant interpretation guidelines (Richards et al. 2015 PMID: 25741868, with internal and published modifications).

Dr. Peter K. Rogan Lab, Western University
No classification provided (evidence only). Condition: Gastric cancer. Review status: no classification provided. Collection method: in vitro. Allele origin: not applicable. Functional consequence: retained intron. Not counted in ClinVar's aggregate classification.

Dr. Peter K. Rogan Lab, Western University
No classification provided (evidence only). Condition: Malignant tumor of esophagus. Review status: no classification provided. Collection method: in vitro. Allele origin: not applicable. Functional consequence: retained intron. Not counted in ClinVar's aggregate classification.

NM_015057.5(MYCBP2):c.4492A>G (p.Ile1498Val)

Gene: MYCBP2 (MYC binding protein 2; minus strand). Cytogenetic location: 13q22.3.
Variant type: single nucleotide variant.
Coding change: c.4492A>G on transcript NM_015057.5 (MANE Select); coding-DNA position 4492, A replaced by G.
Protein change: p.Ile1498Val; replaces isoleucine 1498 with valine.
Molecular consequence: missense variant.
Genome position (GRCh38, 1-based): chr13:77,185,330, T>C on the plus strand (A>G on the coding strand, the complement: MYCBP2 is on the minus strand). VCF-style: chr13-77185330-T-C. GRCh37 (hg19) VCF-style: chr13-77759465-T-C.
Other names: NC_000013.10:g.77759465T>C; short protein forms I1498V.
Identifiers: ClinVar variation 3042290 (VCV003042290.3), dbSNP rs76744435, ClinGen allele CA7009702.